The following is an entry in ClinVar:

NM_001605.3(AARS1):c.1370C>T (p.Ala457Val)

Gene: AARS1 (alanyl-tRNA synthetase 1; minus strand). Cytogenetic location: 16q22.1.
Variant type: single nucleotide variant.
Coding change: c.1370C>T on transcript NM_001605.3 (MANE Select); coding-DNA position 1370, C replaced by T.
Protein change: p.Ala457Val; replaces alanine 457 with valine.
Molecular consequence: missense variant.
Genome position (GRCh38, 1-based): chr16:70,265,080, G>A on the plus strand (C>T on the coding strand, the complement: AARS1 is on the minus strand). VCF-style: chr16-70265080-G-A. GRCh37 (hg19) VCF-style: chr16-70298983-G-A.
Other names: short protein forms A457V.
Identifiers: ClinVar variation 3668788 (VCV003668788.2).
Genomic context (GRCh38, chr16:70,265,080, plus strand): 5'-CCCCGTGCCCGGAGCTCTTCGATAGCGTAAATGTCCAGCATAATGAGGTCTTCCCCACCA[G>A]CTCCCTTGCCCTGTGATTTCAGCTGTCAGCAAGAGAAACAAGCATAAGTTACCGTAAAGT-3'
Protein context (NP_001596.2, residues 447-467): LAQLKSQGKG[Ala457Val]GGEDLIMLDI

ClinVar aggregate classification (germline): Uncertain significance (1 of 4 stars; one submission).

Conditions:
Charcot-Marie-Tooth disease type 2. Also called: Charcot-Marie-Tooth type 2. Identifiers: Orphanet 64746, MedGen C0270914, MONDO:0018993.

gnomAD v4.1: 2 of 1,614,128 alleles (0.00012%); highest among the groups gnomAD compares: Non-Finnish European, 0.00017%; no homozygotes.

Submission:

Labcorp Genetics (formerly Invitae), Labcorp
Classification: Uncertain significance for Charcot-Marie-Tooth disease type 2. Last evaluated: 2024-09-29. Review status: criteria provided, single submitter. Criteria: Invitae Variant Classification Sherloc (09022015). Collection method: clinical testing. Allele origin: germline.
Comment: This sequence change replaces alanine, which is neutral and non-polar, with valine, which is neutral and non-polar, at codon 457 of the AARS protein (p.Ala457Val). This variant is not present in population databases (gnomAD no frequency). This variant has not been reported in the literature in individuals affected with AARS-related conditions. Invitae Evidence Modeling of protein sequence and biophysical properties (such as structural, functional, and spatial information, amino acid conservation, physicochemical variation, residue mobility, and thermodynamic stability) indicates that this missense variant is not expected to disrupt AARS protein function with a negative predictive value of 95%. In summary, the available evidence is currently insufficient to determine the role of this variant in disease. Therefore, it has been classified as a Variant of Uncertain Significance.